The following is an entry in ClinVar:

NM_000143.4(FH):c.1237-50TC[24]

Gene: FH (fumarate hydratase; minus strand). Cytogenetic location: 1q43.
Variant type: Microsatellite.
Coding change: c.1237-50TC[24] on transcript NM_000143.4 (MANE Select); 24 copies in a row of the 2-base unit TC starting at c.1237-50; the reference has 19 copies in a row; five copies, 10 bases duplicated.
Molecular consequence: intron variant.
Genome position (GRCh38, 1-based): chr1:241,500,603-241,500,612, GAGAGAGAGA duplicated on the plus strand (TCTCTCTCTC on the coding strand, the reverse complement: FH is on the minus strand); duplicating any 10 consecutive bases within chr1:241,500,603-241,500,640 gives the same sequence; the position shown is the placement nearest the transcript's 3' end. VCF-style (leftmost placement, unchanged base first): chr1-241500602-T-TGAGAGAGAGA. GRCh37 (hg19) VCF-style: chr1-241663902-T-TGAGAGAGAGA.
Other names: c.1237-22_1237-13dupTCTCTCTCTC (NM_000143.4).
Identifiers: ClinVar variation 296869 (VCV000296869.27), dbSNP rs144131869, ClinGen allele CA10610821.

ClinVar aggregate classification (germline): Benign/Likely benign. Review status: criteria provided, multiple submitters, no conflicts (2 of 4 stars). 6 submissions from 6 submitters: Benign (4); Likely benign (2). Last evaluated 2025-03-04.

Conditions:
Hereditary cancer-predisposing syndrome. Also called: Tumor predisposition; Hereditary Cancer Syndrome; Neoplastic Syndromes, Hereditary; Hereditary neoplastic syndrome. Identifiers: Orphanet 140162, MedGen C0027672, MeSH D009386, MONDO:0015356.
Hereditary leiomyomatosis and renal cell cancer. Also called: Reed syndrome; Multiple cutaneous and uterine leiomyomatosis; Cutaneous leiomyomata with uterine leiomyomata; Leiomyoma, hereditary multiple, of skin; Multiple cutaneous and uterine leiomyomata; MULTIPLE CUTANEOUS AND UTERINE LEIOMYOMATA 1, WITH OR WITHOUT RENAL CELL CARCINOMA. Identifiers: Orphanet 523, MedGen C1708350, MONDO:0007888, OMIM 150800, HP:0007437. Disease mechanism: loss of function.

Submissions (6):

Center for Genomic Medicine, Rigshospitalet, Copenhagen University Hospital
Classification: Likely benign. Last evaluated: 2025-03-04. Review status: criteria provided, single submitter. Criteria: ACMG Guidelines, 2015. Collection method: clinical testing. Allele origin: germline.

Blueprint Genetics
Classification: Likely benign. Last evaluated: 2024-11-26. Review status: criteria provided, single submitter. Criteria: ACMG Guidelines, 2015. Collection method: clinical testing. Allele origin: germline.

ARUP Laboratories, Molecular Genetics and Genomics, ARUP Laboratories
Classification: Benign. Last evaluated: 2023-11-29. Review status: criteria provided, single submitter. Criteria: ARUP Molecular Germline Variant Investigation Process 2024. Collection method: clinical testing. Allele origin: germline.

Department of Pathology and Laboratory Medicine, Sinai Health System
Classification: Benign for hereditary leiomyomatosis and renal cell cancer. Last evaluated: 2021-10-04. Review status: criteria provided, single submitter. Criteria: ACMG Guidelines, 2015. Collection method: clinical testing. Allele origin: germline. Affected: yes.

Hereditary Cancer Laboratory, Hospital Universitario 12 de Octubre
Classification: Benign for Hereditary cancer-predisposing syndrome. Last evaluated: 2019-12-15. Review status: criteria provided, single submitter. Criteria: ACMG Guidelines, 2015. Collection method: clinical testing. Allele origin: germline.
Comment: BA1

GeneDx
Classification: Benign. Last evaluated: 2019-08-15. Review status: criteria provided, single submitter. Criteria: GeneDx Variant Classification Process June 2021. Collection method: clinical testing. Allele origin: germline. Affected: yes.